The following is an entry in ClinVar:

NM_001854.4(COL11A1):c.4858+9A>G

Gene: COL11A1 (collagen type XI alpha 1 chain; minus strand). Cytogenetic location: 1p21.1.
Variant type: single nucleotide variant.
Coding change: c.4858+9A>G on transcript NM_001854.4 (MANE Select); 9 bases into the intron after coding-DNA position 4858, A replaced by G.
Molecular consequence: intron variant.
Genome position (GRCh38, 1-based): chr1:102,886,798, T>C on the plus strand (A>G on the coding strand, the complement: COL11A1 is on the minus strand). VCF-style: chr1-102886798-T-C. GRCh37 (hg19) VCF-style: chr1-103352354-T-C.
Other names: c.4741+9A>G (NM_001190709.2); c.4894+9A>G (NM_080629.3); c.4510+9A>G (NM_080630.4).
Identifiers: ClinVar variation 3690007 (VCV003690007.2).

ClinVar aggregate classification (germline): Uncertain significance (1 of 4 stars; one submission).

gnomAD v4.1: 1 of 1,613,840 alleles (0.000062%); no homozygotes.

Submission:

Labcorp Genetics (formerly Invitae), Labcorp
Classification: Uncertain significance. Last evaluated: 2024-11-12. Review status: criteria provided, single submitter. Criteria: Invitae Variant Classification Sherloc (09022015). Collection method: clinical testing. Allele origin: germline.
Comment: This sequence change falls in intron 63 of the COL11A1 gene. It does not directly change the encoded amino acid sequence of the COL11A1 protein. This variant is not present in population databases (gnomAD no frequency). This variant has not been reported in the literature in individuals affected with COL11A1-related conditions. Algorithms developed to predict the effect of sequence changes on RNA splicing suggest that this variant may create or strengthen a splice site. In summary, the available evidence is currently insufficient to determine the role of this variant in disease. Therefore, it has been classified as a Variant of Uncertain Significance.